The following is an entry in ClinVar:

NM_001378454.1(ALMS1):c.3503C>T (p.Ala1168Val)

Gene: ALMS1 (ALMS1 centrosome and basal body associated protein; plus strand). Cytogenetic location: 2p13.1.
Variant type: single nucleotide variant.
Coding change: c.3503C>T on transcript NM_001378454.1 (MANE Select); coding-DNA position 3503, C replaced by T.
Protein change: p.Ala1168Val; replaces alanine 1168 with valine.
Molecular consequence: missense variant.
Genome position (GRCh38, 1-based): chr2:73,450,030, C>T. VCF-style: chr2-73450030-C-T. GRCh37 (hg19) VCF-style: chr2-73677157-C-T.
Other names: c.3506C>T, p.Ala1169Val (NM_015120.4); short protein forms A1168V, A1169V.
Identifiers: ClinVar variation 1413291 (VCV001413291.6), dbSNP rs2103779179, ClinGen allele CA347275793.
Genomic context (GRCh38, chr2:73,450,030, plus strand): 5'-GAGAAAAGCCCAGCATTTTCCACCAGCAGGCCTTGCCAGGTACTCATATACCTGAAGAGG[C>T]TCAGAAAGTTTCAGCTGTTACTGGACCAGGTAACCAGAAGACTTGGATACCAAGAGTACT-3'
Protein context (NP_001365383.1, residues 1158-1178): ALPGTHIPEE[Ala1168Val]QKVSAVTGPG

ClinVar aggregate classification (germline): Uncertain significance (1 of 4 stars; one submission).

Conditions:
Alstrom syndrome (ALMS). Identifiers: Orphanet 64, MedGen C0268425, MONDO:0008763, OMIM 203800.

Submission:

Labcorp Genetics (formerly Invitae), Labcorp
Classification: Uncertain significance for Alstrom syndrome. Last evaluated: 2021-11-01. Review status: criteria provided, single submitter. Criteria: Invitae Variant Classification Sherloc (09022015). Collection method: clinical testing. Allele origin: germline.
Comment: This sequence change replaces alanine, which is neutral and non-polar, with valine, which is neutral and non-polar, at codon 1169 of the ALMS1 protein (p.Ala1169Val). This variant is not present in population databases (gnomAD no frequency). This variant has not been reported in the literature in individuals affected with ALMS1-related conditions. Experimental studies and prediction algorithms are not available or were not evaluated, and the functional significance of this variant is currently unknown. In summary, the available evidence is currently insufficient to determine the role of this variant in disease. Therefore, it has been classified as a Variant of Uncertain Significance.